The following is an entry in ClinVar:

NM_001127464.1:c.11495C>T

Gene: ZNF469 (zinc finger protein 469; plus strand).
Variant type: single nucleotide variant.
Identifiers: ClinVar variation 4209204 (VCV004209204.1).

ClinVar aggregate classification (germline): Uncertain significance (1 of 4 stars; one submission).

Conditions:
Cardiovascular phenotype. Identifiers: MedGen CN230736.

Submission:

Ambry Genetics
Classification: Uncertain significance for Cardiovascular phenotype. Last evaluated: 2025-08-09. Review status: criteria provided, single submitter. Criteria: Ambry Variant Classification Scheme 2023. Collection method: clinical testing. Allele origin: germline.
Comment: The p.T3832I variant (also known as c.11495C>T), located in coding exon 2 of the ZNF469 gene, results from a C to T substitution at nucleotide position 11495. The threonine at codon 3832 is replaced by isoleucine, an amino acid with similar properties. This amino acid position is conserved. In addition, this alteration is predicted to be tolerated by in silico analysis. Based on the available evidence, the clinical significance of this variant remains unclear.